The following is an entry in ClinVar:

ClinVar aggregate classification (germline): Uncertain significance (1 of 4 stars; one submission).

Conditions:
Inborn genetic diseases. Identifiers: MedGen C0950123, MeSH D030342.

gnomAD v4.1: 1 of 1,613,966 alleles (0.000062%); no homozygotes.

Submission:

Ambry Genetics
Classification: Uncertain significance for Inborn genetic diseases. Last evaluated: 2025-06-14. Review status: criteria provided, single submitter. Criteria: Ambry Variant Classification Scheme 2023. Collection method: clinical testing. Allele origin: germline.
Comment: The p.L624P variant (also known as c.1871T>C), located in coding exon 1 of the SAMD9L gene, results from a T to C substitution at nucleotide position 1871. The leucine at codon 624 is replaced by proline, an amino acid with similar properties. This amino acid position is conserved. In addition, this alteration is predicted to be tolerated by in silico analysis. Based on the available evidence, the clinical significance of this variant remains unclear.

NM_152703.5(SAMD9L):c.1871T>C (p.Leu624Pro)

Gene: SAMD9L (sterile alpha motif domain containing 9 like; minus strand). Cytogenetic location: 7q21.2.
Variant type: single nucleotide variant.
Coding change: c.1871T>C on transcript NM_152703.5 (MANE Select); coding-DNA position 1871, T replaced by C.
Protein change: p.Leu624Pro; replaces leucine 624 with proline.
Molecular consequence: missense variant.
Genome position (GRCh38, 1-based): chr7:93,134,101, A>G on the plus strand (T>C on the coding strand, the complement: SAMD9L is on the minus strand). VCF-style: chr7-93134101-A-G. GRCh37 (hg19) VCF-style: chr7-92763414-A-G.
Other names: c.1871T>C, p.Leu624Pro (NM_001303496.3, NM_001303497.3, NM_001303498.3 and 5 more transcripts); short protein forms L624P.
Identifiers: ClinVar variation 3950023 (VCV003950023.1).